The following is an entry in ClinVar:

ClinVar aggregate classification (germline): Uncertain significance (1 of 4 stars; one submission).

Submission:

GeneDx
Classification: Uncertain significance. Last evaluated: 2019-08-02. Review status: criteria provided, single submitter. Criteria: GeneDx Variant Classification Process June 2021. Collection method: clinical testing. Allele origin: germline. Affected: yes.
Comment: Not observed in large population cohorts (Lek et al., 2016); In silico analysis, which includes protein predictors and evolutionary conservation, supports a deleterious effect; Has not been previously published as pathogenic or benign to our knowledge

NM_000193.4(SHH):c.810C>G (p.His270Gln)

Gene: SHH (sonic hedgehog signaling molecule; minus strand). Cytogenetic location: 7q36.3.
Variant type: single nucleotide variant.
Coding change: c.810C>G on transcript NM_000193.4 (MANE Select); coding-DNA position 810, C replaced by G.
Protein change: p.His270Gln; replaces histidine 270 with glutamine.
Molecular consequence: missense variant. On other transcripts: intron variant (1).
Genome position (GRCh38, 1-based): chr7:155,803,479, G>C on the plus strand (C>G on the coding strand, the complement: SHH is on the minus strand). VCF-style: chr7-155803479-G-C. GRCh37 (hg19) VCF-style: chr7-155596173-G-C.
Other names: c.301+2817C>G (NM_001310462.2); short protein forms H270Q.
Identifiers: ClinVar variation 1307656 (VCV001307656.2), dbSNP rs2117128017, ClinGen allele CA370146018.
Genomic context (GRCh38, chr7:155,803,479, plus strand): 5'-GCCCGAGGACGCCTCGGGCTCCCCGGTGGCCGAGTCGTTGTGCGGCGCCACAAAGAGCAG[G>C]TGCGCGGCGGTGAGCAGCAGGCGCTCGCGCGGCTCCCGCGTCTCGATCACGTAGAAGACC-3'
Protein context (NP_000184.1, residues 260-280): PRERLLLTAA[His270Gln]LLFVAPHNDS